The following is an entry in ClinVar:

NM_002878.4(RAD51D):c.610G>C (p.Val204Leu)

Genes: RAD51D (RAD51 paralog D; minus strand), RAD51L3-RFFL (RAD51L3-RFFL readthrough; minus strand). Cytogenetic location: 17q12.
Variant type: single nucleotide variant.
Coding change: c.610G>C on transcript NM_002878.4 (MANE Select); coding-DNA position 610, G replaced by C.
Protein change: p.Val204Leu; replaces valine 204 with leucine.
Molecular consequence: missense variant. On other transcripts: non-coding transcript variant (3).
Genome position (GRCh38, 1-based): chr17:35,103,511, C>G on the plus strand (G>C on the coding strand, the complement: RAD51D is on the minus strand). VCF-style: chr17-35103511-C-G. GRCh37 (hg19) VCF-style: chr17-33430530-C-G.
Other names: c.670G>C, p.Val224Leu (NM_001142571.2); c.274G>C, p.Val92Leu (NM_133629.3); short protein forms V224L, V204L, V92L.
Identifiers: ClinVar variation 3786514 (VCV003786514.1).

ClinVar aggregate classification (germline): Uncertain significance (1 of 4 stars; one submission).

Conditions:
Hereditary cancer-predisposing syndrome. Also called: Neoplastic Syndromes, Hereditary; Hereditary Cancer Syndrome; Tumor predisposition; Hereditary neoplastic syndrome. Identifiers: Orphanet 140162, MedGen C0027672, MeSH D009386, MONDO:0015356.

gnomAD v4.1: 2 of 1,614,222 alleles (0.00012%); highest among the groups gnomAD compares: South Asian, 0.0022%; no homozygotes.

Submission:

Ambry Genetics
Classification: Uncertain significance for Hereditary cancer-predisposing syndrome. Last evaluated: 2025-02-01. Review status: criteria provided, single submitter. Criteria: Ambry Variant Classification Scheme 2023. Collection method: clinical testing. Allele origin: germline.
Comment: The p.V204L variant (also known as c.610G>C), located in coding exon 7 of the RAD51D gene, results from a G to C substitution at nucleotide position 610. The valine at codon 204 is replaced by leucine, an amino acid with highly similar properties. This amino acid position is conserved. In addition, the in silico prediction for this alteration is inconclusive. Based on the available evidence, the clinical significance of this variant remains unclear.